The following is an entry in ClinVar:

ClinVar aggregate classification (germline): Pathogenic (1 of 4 stars; one submission).

Submission:

Clinical Genomics Laboratory, Laboratory for Precision Diagnostics, University of Washington
Classification: Pathogenic. Last evaluated: 2022-02-15. Review status: criteria provided, single submitter. Criteria: ACMG/ClinGen CNV Guidelines, 2019. Collection method: clinical testing. Allele origin: unknown. Affected: yes. Observed: 1 variant allele.
Comment: This deletion is approximately 14.1 Mb in size and contains 40 protein-coding genes. Nine of these (DMD, CYBB, OTC, BCOR, USP9X, DDX3X, NYX, NDP, KDM6A) definitively affect human health when present in only one copy (often in people with XY sex chromosomes). There is evidence for haploinsufficiency for another 2 genes (TSPAN7 and MAOA). Predicting the effect of this interstitial Xp21.1p11.3 deletion is difficult because of the uncertainty about X-inactivation. If the deleted X chromosome is preferentially inactivated, there may be very few health problems. However, deletion of genes that escape X inactivation including, USP9X, DDX3X and KDM6A, can cause abnormal phenotypes in females regardless of skewing of X inactivation (PMID: 22197486, PMID: 27159028, PMID: 32564284). If X-inactivation is random, a variety of physical and cognitive abnormalities may occur. They were both healthy and of average stature. Their deletions were detected after the daughter had genetic testing because of recurrent pregnancy loss. The X chromosome with the deletion was active in 0% of blood cells.

Literature cited by the submitters: PubMed 16283387; PubMed 11397327; PubMed 22197486; PubMed 27159028; PubMed 32564284.

GRCh38/hg38 Xp21.1-11.3(chrX:31623554-45762069)x1

Genes: ATP6AP2 (ATPase H+ transporting accessory protein 2; plus strand), BCOR (BCL6 corepressor; minus strand), CASK (calcium/calmodulin dependent serine protein kinase; minus strand), CASK-AS1 (CASK antisense RNA 1; plus strand), CFAP47 (cilia and flagella associated protein 47; plus strand) and 193 more. Cytogenetic location: Xp21.1-11.3.
Variant type: copy number loss.
Change: copy number 1 of chrX:31,623,554-45,762,069 (14.14 Mb, GRCh38 coordinates, 1-based), cytogenetic band Xp21.1-11.3.
Identifiers: ClinVar variation 4852094 (VCV004852094.1).